The following is an entry in ClinVar:

ClinVar aggregate classification (germline): Uncertain significance (1 of 4 stars; one submission).

Conditions:
Familial adenomatous polyposis 1 (FAP1). Also called: FAMILIAL ADENOMATOUS POLYPOSIS 1, ATTENUATED; POLYPOSIS, ADENOMATOUS INTESTINAL. Identifiers: MedGen C2713442, MONDO:0021056, OMIM 175100. Disease mechanism: loss of function.

Submission:

Labcorp Genetics (formerly Invitae), Labcorp
Classification: Uncertain significance for Familial adenomatous polyposis 1. Last evaluated: 2024-09-30. Review status: criteria provided, single submitter. Criteria: Invitae Variant Classification Sherloc (09022015). Collection method: clinical testing. Allele origin: germline.
Comment: This sequence change replaces lysine, which is basic and polar, with serine, which is neutral and polar, at codon 1085 of the APC protein (p.Lys1085Ser). Information on the frequency of this variant in the gnomAD database is not available, as this variant may be reported differently in the database. This variant has not been reported in the literature in individuals affected with APC-related conditions. An algorithm developed to predict the effect of missense changes on protein structure and function (PolyPhen-2) suggests that this variant is likely to be tolerated. In summary, the available evidence is currently insufficient to determine the role of this variant in disease. Therefore, it has been classified as a Variant of Uncertain Significance.

NM_000038.6(APC):c.3253_3254delinsTC (p.Lys1085Ser)

Gene: APC (APC regulator of Wnt signaling pathway; plus strand). Cytogenetic location: 5q22.2.
Variant type: Indel.
Coding change: c.3253_3254delinsTC on transcript NM_000038.6 (MANE Select); coding-DNA positions 3253 to 3254, AA replaced by TC.
Protein change: p.Lys1085Ser; replaces lysine 1085 with serine.
Molecular consequence: missense variant. On other transcripts: non-coding transcript variant (2).
Genome position (GRCh38, 1-based): chr5:112,838,847-112,838,848, AA replaced by TC. VCF-style: chr5-112838847-AA-TC. GRCh37 (hg19) VCF-style: chr5-112174544-AA-TC.
Other names: c.3253_3254delinsTC, p.Lys1085Ser (NM_001127510.3, NM_001354895.2, NM_001407450.1); c.3199_3200delinsTC, p.Lys1067Ser (NM_001127511.3); c.3307_3308delinsTC, p.Lys1103Ser (NM_001354896.2, NM_001407447.1, NM_001407448.1 and 1 more transcripts); c.3283_3284delinsTC, p.Lys1095Ser (NM_001354897.2); c.3178_3179delinsTC, p.Lys1060Ser (NM_001354898.2); c.3169_3170delinsTC, p.Lys1057Ser (NM_001354899.2); c.3130_3131delinsTC, p.Lys1044Ser (NM_001354900.2); c.3076_3077delinsTC, p.Lys1026Ser (NM_001354901.2, NM_001407453.1); and 11 more; short protein forms K1026S, K1060S, K1075S, K1085S, K1103S, K701S, K994S, K1057S.
Identifiers: ClinVar variation 3721865 (VCV003721865.2).
Genomic context (GRCh38, chr5:112,838,847, plus strand): 5'-CAAAGACAATCAAGGAATCAAAGTACAACTTATCCTGTTTATACTGAGAGCACTGATGAT[AA>TC]ACACCTCAAGTTCCAACCACATTTTGGACAGCAGGAATGTGTTTCTCCATACAGGTCACG-3'
Protein context (NP_000029.2, residues 1075-1095): YPVYTESTDD[Lys1085Ser]HLKFQPHFGQ